The following is an entry in ClinVar:

NM_001033855.3(DCLRE1C):c.509A>G (p.Asp170Gly)

Gene: DCLRE1C (DNA cross-link repair 1C; minus strand). Cytogenetic location: 10p13.
Variant type: single nucleotide variant.
Coding change: c.509A>G on transcript NM_001033855.3 (MANE Select); coding-DNA position 509, A replaced by G.
Protein change: p.Asp170Gly; replaces aspartic acid 170 with glycine.
Molecular consequence: missense variant. On other transcripts: non-coding transcript variant (4).
Genome position (GRCh38, 1-based): chr10:14,934,731, T>C on the plus strand (A>G on the coding strand, the complement: DCLRE1C is on the minus strand). VCF-style: chr10-14934731-T-C. GRCh37 (hg19) VCF-style: chr10-14976730-T-C.
Other names: NM_001033855.3(DCLRE1C):c.509A>G; p.Asp170Gly; c.149A>G, p.Asp50Gly (NM_001033857.3, NM_001033858.3, NM_001289077.2 and 2 more transcripts); c.164A>G, p.Asp55Gly (NM_001289076.2, NM_001289078.2, NM_001350966.2 and 1 more transcripts); c.509A>G, p.Asp170Gly (NM_001350965.2); short protein forms D170G, D50G, D55G.
Identifiers: ClinVar variation 1965651 (VCV001965651.5), dbSNP rs2492028777, ClinGen allele CA376059912.
Genomic context (GRCh38, chr10:14,934,731, plus strand): 5'-GATGATAACCCTGTTCCTCCAGGCAGACTTACCCGACTTGGAATTTGGTAAAATCTTGGA[T>C]CACAGAACGTAGTATCCAAATATACACTTTGGATGTCTTTGACTCTGAAAAGAAAAAAAA-3'
Protein context (NP_001029027.1, residues 160-180): QSVYLDTTFC[Asp170Gly]PRFYQIPSRE

ClinVar aggregate classification (germline): Uncertain significance. Review status: reviewed by expert panel (3 of 4 stars). 2 submissions from 2 submitters: Uncertain significance (1). 1 of the submissions does not count toward it. Last evaluated 2024-06-13.

Conditions:
Severe combined immunodeficiency due to DCLRE1C deficiency (RS-SCID). Also called: SCID, AUTOSOMAL RECESSIVE, T CELL-NEGATIVE, B CELL-NEGATIVE, NK CELL-POSITIVE, WITH SENSITIVITY TO IONIZING RADIATION. Identifiers: Orphanet 275, MedGen C1865371, MONDO:0011225, OMIM 602450.

Submissions (2):

ClinGen Severe Combined Immunodeficiency Variant Curation Expert Panel, ClinGen
Classification: Uncertain significance for Severe combined immunodeficiency due to DCLRE1C deficiency. Last evaluated: 2024-06-13. Review status: reviewed by expert panel. Criteria: ClinGen SCID ACMG Specifications DCLRE1C V1.0.0. Collection method: curation. Allele origin: germline. Inheritance: Autosomal recessive inheritance.
Comment: The c.509A>G (NM_001033855.3) variant in DCLRE1C is a missense variant predicted to cause the substitution of Aspartic Acid by Glycine at amino acid 170 (p.Asp170Gly). This variant is absent from gnomAD v4 (PM2_Supporting). To our knowledge, this variant has not been reported in the literature in individuals affected with SCID/DCLRE1C-related conditions or in functional studies. In summary, this variant meets the criteria to be classified as a variant of uncertain significance for autosomal recessive severe combined immunodeficiency due to DCLRE1C deficiency based on the ACMG/AMP criteria applied, as specified by the ClinGen SCID VCEP: PM2_Supporting (VCEP specifications version 1).

Labcorp Genetics (formerly Invitae), Labcorp
Classification: Uncertain significance for Athabaskan severe combined immunodeficiency. Last evaluated: 2023-08-04. Review status: criteria provided, single submitter. Criteria: Invitae Variant Classification Sherloc (09022015). Collection method: clinical testing. Allele origin: germline. Not counted in ClinVar's aggregate classification.
Comment: In summary, the available evidence is currently insufficient to determine the role of this variant in disease. Therefore, it has been classified as a Variant of Uncertain Significance. Advanced modeling of protein sequence and biophysical properties (such as structural, functional, and spatial information, amino acid conservation, physicochemical variation, residue mobility, and thermodynamic stability) performed at Invitae indicates that this missense variant is not expected to disrupt DCLRE1C protein function. This variant is not present in population databases (gnomAD no frequency). This sequence change replaces aspartic acid, which is acidic and polar, with glycine, which is neutral and non-polar, at codon 170 of the DCLRE1C protein (p.Asp170Gly). This variant has not been reported in the literature in individuals affected with DCLRE1C-related conditions. ClinVar contains an entry for this variant (Variation ID: 1965651).